The following is an entry in ClinVar:

ClinVar aggregate classification (germline): Uncertain significance. Review status: criteria provided, multiple submitters, no conflicts (2 of 4 stars). 2 submissions from 2 submitters: Uncertain significance (2). Last evaluated 2023-09-19.

Conditions:
Gastrointestinal stromal tumor. Also called: Gastrointestinal stromal tumor, somatic; Gastrointestinal stroma tumor. Identifiers: Orphanet 44890, MedGen C0238198, MeSH D046152, MONDO:0011719, OMIM 606764, HP:0100723.
Hereditary cancer-predisposing syndrome. Also called: Tumor predisposition; Neoplastic Syndromes, Hereditary; Hereditary neoplastic syndrome; Hereditary Cancer Syndrome. Identifiers: Orphanet 140162, MedGen C0027672, MeSH D009386, MONDO:0015356.

Submissions (2):

Ambry Genetics
Classification: Uncertain significance for Hereditary cancer-predisposing syndrome. Last evaluated: 2023-09-19. Review status: criteria provided, single submitter. Criteria: Ambry Variant Classification Scheme 2023. Collection method: clinical testing. Allele origin: germline.
Comment: The p.K342R variant (also known as c.1025A>G), located in coding exon 6 of the KIT gene, results from an A to G substitution at nucleotide position 1025. The lysine at codon 342 is replaced by arginine, an amino acid with highly similar properties. This amino acid position is conserved. In addition, this alteration is predicted to be tolerated by in silico analysis. Since supporting evidence is limited at this time, the clinical significance of this alteration remains unclear.

Labcorp Genetics (formerly Invitae), Labcorp
Classification: Uncertain significance for Gastrointestinal stromal tumor. Last evaluated: 2020-10-27. Review status: criteria provided, single submitter. Criteria: Invitae Variant Classification Sherloc (09022015). Collection method: clinical testing. Allele origin: germline.
Comment: In summary, the available evidence is currently insufficient to determine the role of this variant in disease. Therefore, it has been classified as a Variant of Uncertain Significance. Algorithms developed to predict the effect of missense changes on protein structure and function output the following: SIFT: "Tolerated"; PolyPhen-2: "Benign"; Align-GVGD: "Class C0". The arginine amino acid residue is found in multiple mammalian species, suggesting that this missense change does not adversely affect protein function. These predictions have not been confirmed by published functional studies and their clinical significance is uncertain. This variant has not been reported in the literature in individuals with KIT-related conditions. This variant is not present in population databases (ExAC no frequency). This sequence change replaces lysine with arginine at codon 342 of the KIT protein (p.Lys342Arg). The lysine residue is highly conserved and there is a small physicochemical difference between lysine and arginine.

NM_000222.3(KIT):c.1025A>G (p.Lys342Arg)

Gene: KIT (KIT proto-oncogene, receptor tyrosine kinase; plus strand). Cytogenetic location: 4q12.
Variant type: single nucleotide variant.
Coding change: c.1025A>G on transcript NM_000222.3 (MANE Select); coding-DNA position 1025, A replaced by G.
Protein change: p.Lys342Arg; replaces lysine 342 with arginine.
Molecular consequence: missense variant.
Genome position (GRCh38, 1-based): chr4:54,707,197, A>G. VCF-style: chr4-54707197-A-G. GRCh37 (hg19) VCF-style: chr4-55573363-A-G.
Other names: c.1025A>G (NM_000222.2); c.1025A>G, p.Lys342Arg (NM_001093772.2, NM_001385285.1, NM_001385286.1); c.1028A>G, p.Lys343Arg (NM_001385284.1, NM_001385288.1, NM_001385290.1 and 1 more transcripts); short protein forms K343R, K342R.
Identifiers: ClinVar variation 1034922 (VCV001034922.10), dbSNP rs1720843061, ClinGen allele CA356900987.